The following is an entry in ClinVar:

ClinVar aggregate classification (germline): Uncertain significance (1 of 4 stars; one submission).

Conditions:
Rubinstein-Taybi syndrome due to EP300 haploinsufficiency. Also called: RUBINSTEIN-TAYBI SYNDROME 2; EP300-Related Rubinstein-Taybi Syndrome. Identifiers: Orphanet 353284, Orphanet 783, MedGen C3150941, MONDO:0013364, OMIM 613684.

Submission:

Labcorp Genetics (formerly Invitae), Labcorp
Classification: Uncertain significance for Rubinstein-Taybi syndrome due to EP300 haploinsufficiency. Last evaluated: 2023-10-13. Review status: criteria provided, single submitter. Criteria: Invitae Variant Classification Sherloc (09022015). Collection method: clinical testing. Allele origin: germline.
Comment: This sequence change replaces glutamic acid, which is acidic and polar, with aspartic acid, which is acidic and polar, at codon 1348 of the EP300 protein (p.Glu1348Asp). This variant is not present in population databases (gnomAD no frequency). This variant has not been reported in the literature in individuals affected with EP300-related conditions. Advanced modeling of protein sequence and biophysical properties (such as structural, functional, and spatial information, amino acid conservation, physicochemical variation, residue mobility, and thermodynamic stability) performed at Invitae indicates that this missense variant is not expected to disrupt EP300 protein function. In summary, the available evidence is currently insufficient to determine the role of this variant in disease. Therefore, it has been classified as a Variant of Uncertain Significance.

NM_001429.4(EP300):c.4044G>T (p.Glu1348Asp)

Gene: EP300 (EP300 lysine acetyltransferase; plus strand). Cytogenetic location: 22q13.2.
Variant type: single nucleotide variant.
Coding change: c.4044G>T on transcript NM_001429.4 (MANE Select); coding-DNA position 4044, G replaced by T.
Protein change: p.Glu1348Asp; replaces glutamic acid 1348 with aspartic acid.
Molecular consequence: missense variant.
Genome position (GRCh38, 1-based): chr22:41,168,739, G>T. VCF-style: chr22-41168739-G-T. GRCh37 (hg19) VCF-style: chr22-41564743-G-T.
Other names: c.3966G>T, p.Glu1322Asp (NM_001362843.2); short protein forms E1322D, E1348D.
Identifiers: ClinVar variation 2891420 (VCV002891420.3), dbSNP rs2059154086, ClinGen allele CA411699868.